The following is an entry in ClinVar:

ClinVar aggregate classification (germline): Uncertain significance (1 of 4 stars; one submission).

Allele frequency attached by ClinVar (database versions not stated): gnomAD 0.00001; ExAC 0.00007.
gnomAD v4.1: 6 of 1,550,934 alleles (0.00039%); highest among the groups gnomAD compares: African/African-American, 0.0014%; no homozygotes.

Submission:

Labcorp Genetics (formerly Invitae), Labcorp
Classification: Uncertain significance. Last evaluated: 2024-12-09. Review status: criteria provided, single submitter. Criteria: Invitae Variant Classification Sherloc (09022015). Collection method: clinical testing. Allele origin: germline.
Comment: This sequence change replaces proline, which is neutral and non-polar, with arginine, which is basic and polar, at codon 5 of the OSTM1 protein (p.Pro5Arg). The frequency data for this variant in the population databases is considered unreliable, as metrics indicate poor data quality at this position in the gnomAD database. This variant has not been reported in the literature in individuals affected with OSTM1-related conditions. ClinVar contains an entry for this variant (Variation ID: 1515603). An algorithm developed to predict the effect of missense changes on protein structure and function outputs the following: PolyPhen-2: "Benign". The arginine amino acid residue is found in multiple mammalian species, which suggests that this missense change does not adversely affect protein function. In summary, the available evidence is currently insufficient to determine the role of this variant in disease. Therefore, it has been classified as a Variant of Uncertain Significance.

NM_014028.4(OSTM1):c.14C>G (p.Pro5Arg)

Genes: OSTM1 (osteoclastogenesis associated transmembrane protein 1; minus strand), LOC129996933 (ATAC-STARR-seq lymphoblastoid silent region 17446; plus strand). Cytogenetic location: 6q21.
Variant type: single nucleotide variant.
Coding change: c.14C>G on transcript NM_014028.4 (MANE Select); coding-DNA position 14, C replaced by G.
Protein change: p.Pro5Arg; replaces proline 5 with arginine.
Molecular consequence: missense variant.
Genome position (GRCh38, 1-based): chr6:108,074,638, G>C on the plus strand (C>G on the coding strand, the complement: OSTM1 is on the minus strand). VCF-style: chr6-108074638-G-C. GRCh37 (hg19) VCF-style: chr6-108395842-G-C.
Other names: short protein forms P5R.
Identifiers: ClinVar variation 1515603 (VCV001515603.8), dbSNP rs368859294, ClinGen allele CA3948149.